The following is an entry in ClinVar:

ClinVar aggregate classification (germline): Pathogenic (1 of 4 stars; one submission).

Submission:

Labcorp Genetics (formerly Invitae), Labcorp
Classification: Pathogenic. Last evaluated: 2023-04-30. Review status: criteria provided, single submitter. Criteria: Invitae Variant Classification Sherloc (09022015). Collection method: clinical testing. Allele origin: germline.
Comment: This variant is not present in population databases (gnomAD no frequency). For these reasons, this variant has been classified as Pathogenic. Algorithms developed to predict the effect of sequence changes on RNA splicing suggest that this variant may disrupt the consensus splice site. This variant has not been reported in the literature in individuals affected with ABCA3-related conditions. This sequence change creates a premature translational stop signal (p.Glu292Serfs*5) in the ABCA3 gene. It is expected to result in an absent or disrupted protein product. Loss-of-function variants in ABCA3 are known to be pathogenic (PMID: 27516224).

Literature cited by the submitters: PubMed 27516224.

NC_000016.10:g.2317765del

Gene: ABCA3 (ATP binding cassette subfamily A member 3; minus strand). Cytogenetic location: 16p13.3.
Variant type: Deletion.
Genome position: GRCh38 VCF-style: chr16-2317763-TC-T. GRCh37 (hg19) VCF-style: chr16-2367764-TC-T.
Identifiers: ClinVar variation 2860784 (VCV002860784.3), dbSNP rs2505666185, ClinGen allele CA2739269952.